The following is an entry in ClinVar:

ClinVar aggregate classification (germline): Benign/Likely benign. Review status: criteria provided, multiple submitters, no conflicts (2 of 4 stars). 4 submissions from 4 submitters: Benign (2); Likely benign (1). 1 of the submissions does not count toward it. Last evaluated 2026-01-01.

Conditions:
Inborn genetic diseases. Identifiers: MedGen C0950123, MeSH D030342.
RAI1-related disorder. Also called: RAI1-related condition.

Allele frequency attached by ClinVar (database versions not stated): gnomAD 0.00005; gnomAD exomes 0.00005; ESP Exome Variant Server 0.00008; ExAC 0.00010; 1000 Genomes Project 30x 0.00047; 1000 Genomes Project 0.00060.
gnomAD v4.1: 86 of 1,613,840 alleles (0.0053%); highest among the groups gnomAD compares: Middle Eastern, 0.13%; no homozygotes.

Submissions (4):

Labcorp Genetics (formerly Invitae), Labcorp
Classification: Benign. Last evaluated: 2026-01-01. Review status: criteria provided, single submitter. Criteria: Invitae Variant Classification Sherloc (09022015). Collection method: clinical testing. Allele origin: germline.

CeGaT Center for Human Genetics Tuebingen
Classification: Likely benign. Last evaluated: 2025-09-01. Review status: criteria provided, single submitter. Criteria: CeGaT Center For Human Genetics Tuebingen Variant Classification Criteria Version 2. Collection method: clinical testing. Allele origin: germline. Affected: yes. Observed: 1 variant allele.
Comment: RAI1: BP4, BS1

Ambry Genetics
Classification: Benign for Inborn genetic diseases. Last evaluated: 2019-03-21. Review status: criteria provided, single submitter. Criteria: Ambry Variant Classification Scheme 2023. Collection method: clinical testing. Allele origin: germline.

PreventionGenetics, part of Exact Sciences
Classification: Likely benign for RAI1-related condition. Last evaluated: 2023-06-12. Review status: no assertion criteria provided. Collection method: clinical testing. Allele origin: germline. Not counted in ClinVar's aggregate classification.
Comment: This variant is classified as likely benign based on ACMG/AMP sequence variant interpretation guidelines (Richards et al. 2015 PMID: 25741868, with internal and published modifications).

NM_030665.4(RAI1):c.131G>A (p.Arg44Gln)

Gene: RAI1 (retinoic acid induced 1; plus strand). Cytogenetic location: 17p11.2.
Variant type: single nucleotide variant.
Coding change: c.131G>A on transcript NM_030665.4 (MANE Select); coding-DNA position 131, G replaced by A.
Protein change: p.Arg44Gln; replaces arginine 44 with glutamine.
Molecular consequence: missense variant.
Genome position (GRCh38, 1-based): chr17:17,793,079, G>A. VCF-style: chr17-17793079-G-A. GRCh37 (hg19) VCF-style: chr17-17696393-G-A.
Other names: short protein forms R44Q.
Identifiers: ClinVar variation 1769871 (VCV001769871.16), dbSNP rs149701833, ClinGen allele CA8418053.
Genomic context (GRCh38, chr17:17,793,079, plus strand): 5'-CATCACGCCTAGAGAATTACAGGCAGCCGAGTCAGGCCGGGCTAAGCTGCGACCGGCAGC[G>A]GCTGCTCGCCAAGGACTATTATAACCCGCAGCCTTACCCGAGCTATGAGGGTGGCGCTGG-3'
Protein context (NP_109590.3, residues 34-54): SQAGLSCDRQ[Arg44Gln]LLAKDYYNPQ